The following is an entry in ClinVar:

ClinVar aggregate classification (germline): Uncertain significance (1 of 4 stars; one submission).

gnomAD v4.1: 4 of 1,613,288 alleles (0.00025%); highest among the groups gnomAD compares: Non-Finnish European, 0.00025%; no homozygotes.

Submission:

GeneDx
Classification: Uncertain significance. Last evaluated: 2023-07-05. Review status: criteria provided, single submitter. Criteria: GeneDx Variant Classification Process June 2021. Collection method: clinical testing. Allele origin: germline. Affected: yes.
Comment: In silico analysis supports that this missense variant has a deleterious effect on protein structure/function; Has not been previously published as pathogenic or benign to our knowledge

NM_001374675.1(HSF4):c.158G>A (p.Arg53His)

Gene: HSF4 (heat shock transcription factor 4; plus strand). Cytogenetic location: 16q22.1.
Variant type: single nucleotide variant.
Coding change: c.158G>A on transcript NM_001374675.1 (MANE Select); coding-DNA position 158, G replaced by A.
Protein change: p.Arg53His; replaces arginine 53 with histidine.
Molecular consequence: missense variant.
Genome position (GRCh38, 1-based): chr16:67,165,556, G>A. VCF-style: chr16-67165556-G-A. GRCh37 (hg19) VCF-style: chr16-67199459-G-A.
Other names: c.158G>A, p.Arg53His (NM_001040667.3, NM_001374674.1, NM_001538.4); short protein forms R53H.
Identifiers: ClinVar variation 3360708 (VCV003360708.1).